The following is an entry in ClinVar:

NM_001684.5(ATP2B4):c.368G>A (p.Arg123His)

Gene: ATP2B4 (ATPase plasma membrane Ca2+ transporting 4; plus strand). Cytogenetic location: 1q32.1.
Variant type: single nucleotide variant.
Coding change: c.368G>A on transcript NM_001684.5 (MANE Select); coding-DNA position 368, G replaced by A.
Protein change: p.Arg123His; replaces arginine 123 with histidine.
Molecular consequence: missense variant.
Genome position (GRCh38, 1-based): chr1:203,698,331, G>A. VCF-style: chr1-203698331-G-A. GRCh37 (hg19) VCF-style: chr1-203667459-G-A.
Other names: c.368G>A, p.Arg123His (NM_001001396.3, NM_001365783.2, NM_001365784.2); short protein forms R123H.
Identifiers: ClinVar variation 1369577 (VCV001369577.6), dbSNP rs114358697, ClinGen allele CA1341360.
Genomic context (GRCh38, chr1:203,698,331, plus strand): 5'-ATGTCACGCTTATCATCCTGGAGATTGCAGCCATCATCTCCCTGGTCCTGTCCTTTTATC[G>A]CCCTGCTGGTGAAGAAAATGAACGTGAGTGTCCTAAACAGCTCAGCGTGACTCTTATCTG-3'
Protein context (NP_001675.3, residues 113-133): AIISLVLSFY[Arg123His]PAGEENELCG

ClinVar aggregate classification (germline): Uncertain significance (1 of 4 stars; one submission).

Allele frequency attached by ClinVar (database versions not stated): gnomAD 0.00003 and 0.00008; ESP Exome Variant Server 0.00008; gnomAD exomes 0.00017; ExAC 0.00023; 1000 Genomes Project 30x 0.00031; 1000 Genomes Project 0.00040.
gnomAD v4.1: 267 of 1,613,998 alleles (0.017%); highest among the groups gnomAD compares: South Asian, 0.17%; 2 homozygotes.

Submission:

Labcorp Genetics (formerly Invitae), Labcorp
Classification: Uncertain significance. Last evaluated: 2025-03-07. Review status: criteria provided, single submitter. Criteria: Invitae Variant Classification Sherloc (09022015). Collection method: clinical testing. Allele origin: germline.
Comment: This sequence change replaces arginine, which is basic and polar, with histidine, which is basic and polar, at codon 123 of the ATP2B4 protein (p.Arg123His). This variant is present in population databases (rs114358697, gnomAD 0.1%), and has an allele count higher than expected for a pathogenic variant. This variant has not been reported in the literature in individuals affected with ATP2B4-related conditions. ClinVar contains an entry for this variant (Variation ID: 1369577). Invitae Evidence Modeling of protein sequence and biophysical properties (such as structural, functional, and spatial information, amino acid conservation, physicochemical variation, residue mobility, and thermodynamic stability) indicates that this missense variant is not expected to disrupt ATP2B4 protein function with a negative predictive value of 80%. In summary, the available evidence is currently insufficient to determine the role of this variant in disease. Therefore, it has been classified as a Variant of Uncertain Significance.